The following is an entry in ClinVar:

NM_000069.3(CACNA1S):c.4984A>T (p.Asn1662Tyr)

Gene: CACNA1S (calcium voltage-gated channel subunit alpha1 S; minus strand). Cytogenetic location: 1q32.1.
Variant type: single nucleotide variant.
Coding change: c.4984A>T on transcript NM_000069.3 (MANE Select); coding-DNA position 4984, A replaced by T.
Protein change: p.Asn1662Tyr; replaces asparagine 1662 with tyrosine.
Molecular consequence: missense variant.
Genome position (GRCh38, 1-based): chr1:201,043,345, T>A on the plus strand (A>T on the coding strand, the complement: CACNA1S is on the minus strand). VCF-style: chr1-201043345-T-A. GRCh37 (hg19) VCF-style: chr1-201012473-T-A.
Other names: short protein forms N1662Y.
Identifiers: ClinVar variation 566697 (VCV000566697.12), dbSNP rs200772623, ClinGen allele CA083640.

ClinVar aggregate classification (germline): Uncertain significance. Review status: criteria provided, multiple submitters, no conflicts (2 of 4 stars). 7 submissions from 4 submitters: Uncertain significance (7). Last evaluated 2026-01-08.

Conditions:
Thyrotoxic periodic paralysis, susceptibility to, 1 (TTPP1). Identifiers: Orphanet 79102, MedGen C2749982, MONDO:0008570, OMIM 188580.
Malignant hyperthermia, susceptibility to, 5 (MHS5). Also called: CACNA1S-Related Malignant Hyperthermia Susceptibility. Identifiers: Orphanet 423, MedGen C1866077, MONDO:0011163, OMIM 601887.
Congenital myopathy 18. Also called: Myopathy, congenital, due to dihydropyridine receptor defect; DIHYDROPYRIDINE RECEPTOR CONGENITAL MYOPATHY; DHPR CONGENITAL MYOPATHY. Identifiers: MedGen C5830283, MONDO:0859514, OMIM 620246.
Hypokalemic periodic paralysis, type 1. Also called: HypoPP; Hypokalemic Periodic Paralysis Type 1 (AD). Identifiers: Orphanet 681, MedGen C3714580, MONDO:0042979, OMIM 170400.

Allele frequency attached by ClinVar (database versions not stated): gnomAD exomes below 0.00001; ExAC 0.00001; gnomAD 0.00001; TOPMed 0.00001.
gnomAD v4.1: 8 of 1,613,992 alleles (0.0005%); highest among the groups gnomAD compares: Middle Eastern, 0.016%; no homozygotes.

Submissions (7):

GeneDx
Classification: Uncertain significance. Last evaluated: 2026-01-08. Review status: criteria provided, single submitter. Criteria: GeneDx Variant Classification Process June 2021. Collection method: clinical testing. Allele origin: germline. Affected: yes.
Comment: Not observed at significant frequency in large population cohorts (gnomAD); In silico analysis supports that this missense variant has a deleterious effect on protein structure/function; Has not been previously published as pathogenic or benign to our knowledge

Fulgent Genetics
Classification: Uncertain significance for Hypokalemic periodic paralysis, type 1; Thyrotoxic periodic paralysis, susceptibility to, 1; Malignant hyperthermia, susceptibility to, 5; Congenital myopathy 18. Last evaluated: 2024-01-03. Review status: criteria provided, single submitter. Criteria: ACMG Guidelines, 2015. Collection method: clinical testing. Allele origin: germline.

Genome-Nilou Lab
Classification: Uncertain significance for Malignant hyperthermia, susceptibility to, 5. Last evaluated: 2023-04-11. Review status: criteria provided, single submitter. Criteria: ACMG Guidelines, 2015. Collection method: clinical testing. Allele origin: germline. Affected: no.

Genome-Nilou Lab
Classification: Uncertain significance for Thyrotoxic periodic paralysis, susceptibility to, 1. Last evaluated: 2023-04-11. Review status: criteria provided, single submitter. Criteria: ACMG Guidelines, 2015. Collection method: clinical testing. Allele origin: germline. Affected: no.

Genome-Nilou Lab
Classification: Uncertain significance for Congenital myopathy 18. Last evaluated: 2023-04-11. Review status: criteria provided, single submitter. Criteria: ACMG Guidelines, 2015. Collection method: clinical testing. Allele origin: germline. Affected: no.

Genome-Nilou Lab
Classification: Uncertain significance for Hypokalemic periodic paralysis, type 1. Last evaluated: 2023-04-11. Review status: criteria provided, single submitter. Criteria: ACMG Guidelines, 2015. Collection method: clinical testing. Allele origin: germline. Affected: no.

Labcorp Genetics (formerly Invitae), Labcorp
Classification: Uncertain significance for Hypokalemic periodic paralysis, type 1; Malignant hyperthermia, susceptibility to, 5. Last evaluated: 2021-08-27. Review status: criteria provided, single submitter. Criteria: Invitae Variant Classification Sherloc (09022015). Collection method: clinical testing. Allele origin: germline.
Comment: This sequence change replaces asparagine with tyrosine at codon 1662 of the CACNA1S protein (p.Asn1662Tyr). The asparagine residue is moderately conserved and there is a large physicochemical difference between asparagine and tyrosine. This variant is present in population databases (rs200772623, ExAC 0.001%). This variant has not been reported in the literature in individuals affected with CACNA1S-related conditions. Algorithms developed to predict the effect of missense changes on protein structure and function are either unavailable or do not agree on the potential impact of this missense change (SIFT: "Tolerated"; PolyPhen-2: "Possibly Damaging"; Align-GVGD: "Class C0"). In summary, the available evidence is currently insufficient to determine the role of this variant in disease. Therefore, it has been classified as a Variant of Uncertain Significance.